The following is an entry in ClinVar:

NM_001105206.3(LAMA4):c.3060C>T (p.Asn1020=)

Gene: LAMA4 (laminin subunit alpha 4; minus strand). Cytogenetic location: 6q21.
Variant type: single nucleotide variant.
Coding change: c.3060C>T on transcript NM_001105206.3 (MANE Select); coding-DNA position 3060, C replaced by T.
Protein change: p.Asn1020=; no amino-acid change (asparagine 1020 retained).
Molecular consequence: synonymous variant.
Genome position (GRCh38, 1-based): chr6:112,139,802, G>A on the plus strand (C>T on the coding strand, the complement: LAMA4 is on the minus strand). VCF-style: chr6-112139802-G-A. GRCh37 (hg19) VCF-style: chr6-112461004-G-A.
Other names: c.3039C>T, p.Asn1013= (NM_001105207.3, NM_002290.5); c.3039C>T (NM_002290.3).
Identifiers: ClinVar variation 1093580 (VCV001093580.10), dbSNP rs782479632, ClinGen allele CA3965327.

ClinVar aggregate classification (germline): Conflicting classifications of pathogenicity. Review status: criteria provided, conflicting classifications (1 of 4 stars). 2 submissions from 2 submitters: Uncertain significance (1); Likely benign (1). Last evaluated 2025-04-22.

Conditions:
Dilated cardiomyopathy 1JJ (CMD1JJ). Identifiers: Orphanet 154, MedGen C3808935, MONDO:0014095, OMIM 615235.
Cardiovascular phenotype. Identifiers: MedGen CN230736.

Allele frequency attached by ClinVar (database versions not stated): TOPMed below 0.00001; gnomAD 0.00001.
gnomAD v4.1: 8 of 1,614,032 alleles (0.0005%); highest among the groups gnomAD compares: East Asian, 0.016%; no homozygotes.

Submissions (2):

Ambry Genetics
Classification: Uncertain significance for Cardiovascular phenotype. Last evaluated: 2025-04-22. Review status: criteria provided, single submitter. Criteria: Ambry Variant Classification Scheme 2023. Collection method: clinical testing. Allele origin: germline.
Comment: The c.3039C>T variant (also known as p.N1013N), located in coding exon 22 of the LAMA4 gene, results from a C to T substitution at nucleotide position 3039. This nucleotide substitution does not change the asparagine at codon 1013. This nucleotide position is well conserved in available vertebrate species. In silico splice site analysis for this alteration is inconclusive. Based on the available evidence, the clinical significance of this variant remains unclear.

Labcorp Genetics (formerly Invitae), Labcorp
Classification: Likely benign for Dilated cardiomyopathy 1JJ. Last evaluated: 2020-09-20. Review status: criteria provided, single submitter. Criteria: Invitae Variant Classification Sherloc (09022015). Collection method: clinical testing. Allele origin: germline.